The following is an entry in ClinVar:

ClinVar aggregate classification (germline): Uncertain significance. Review status: criteria provided, multiple submitters, no conflicts (2 of 4 stars). 3 submissions from 3 submitters: Uncertain significance (3). Last evaluated 2023-04-19.

Conditions:
Age related macular degeneration 1 (ARMD1). Also called: MACULOPATHY, AGE-RELATED, 1. Identifiers: MedGen C1864205, MONDO:0011285, OMIM 603075.

Allele frequency attached by ClinVar (database versions not stated): gnomAD exomes below 0.00001; TOPMed 0.00001.
gnomAD v4.1: 2 of 1,612,674 alleles (0.00012%); highest among the groups gnomAD compares: African/African-American, 0.0013%; no homozygotes.

Submissions (3):

Labcorp Genetics (formerly Invitae), Labcorp
Classification: Uncertain significance. Last evaluated: 2023-04-19. Review status: criteria provided, single submitter. Criteria: Invitae Variant Classification Sherloc (09022015). Collection method: clinical testing. Allele origin: germline.
Comment: This variant is not present in population databases (gnomAD no frequency). This sequence change replaces serine, which is neutral and polar, with arginine, which is basic and polar, at codon 3257 of the HMCN1 protein (p.Ser3257Arg). This variant has not been reported in the literature in individuals affected with HMCN1-related conditions. In summary, the available evidence is currently insufficient to determine the role of this variant in disease. Therefore, it has been classified as a Variant of Uncertain Significance. ClinVar contains an entry for this variant (Variation ID: 2056641). An algorithm developed to predict the effect of missense changes on protein structure and function (PolyPhen-2) suggests that this variant is likely to be tolerated.

Genome-Nilou Lab
Classification: Uncertain significance for Age related macular degeneration 1. Last evaluated: 2023-04-11. Review status: criteria provided, single submitter. Criteria: ACMG Guidelines, 2015. Collection method: clinical testing. Allele origin: germline. Affected: no.

Ambry Genetics
Classification: Uncertain significance. Last evaluated: 2023-02-06. Review status: criteria provided, single submitter. Criteria: Ambry Variant Classification Scheme 2023. Collection method: clinical testing. Allele origin: germline.

NM_031935.3(HMCN1):c.9771T>G (p.Ser3257Arg)

Gene: HMCN1 (hemicentin 1; plus strand). Cytogenetic location: 1q31.1.
Variant type: single nucleotide variant.
Coding change: c.9771T>G on transcript NM_031935.3 (MANE Select); coding-DNA position 9771, T replaced by G.
Protein change: p.Ser3257Arg; replaces serine 3257 with arginine.
Molecular consequence: missense variant.
Genome position (GRCh38, 1-based): chr1:186,090,801, T>G. VCF-style: chr1-186090801-T-G. GRCh37 (hg19) VCF-style: chr1-186059933-T-G.
Other names: c.9771T>G (NM_031935.2); short protein forms S3257R.
Identifiers: ClinVar variation 2056641 (VCV002056641.7), dbSNP rs1659797743, ClinGen allele CA343924204.